The following is an entry in ClinVar:

NM_001563.4(IMPG1):c.1192T>C (p.Ser398Pro)

Gene: IMPG1 (interphotoreceptor matrix proteoglycan 1; minus strand). Cytogenetic location: 6q14.1.
Variant type: single nucleotide variant.
Coding change: c.1192T>C on transcript NM_001563.4 (MANE Select); coding-DNA position 1192, T replaced by C.
Protein change: p.Ser398Pro; replaces serine 398 with proline.
Molecular consequence: missense variant.
Genome position (GRCh38, 1-based): chr6:76,003,894, A>G on the plus strand (T>C on the coding strand, the complement: IMPG1 is on the minus strand). VCF-style: chr6-76003894-A-G. GRCh37 (hg19) VCF-style: chr6-76713611-A-G.
Other names: c.958T>C, p.Ser320Pro (NM_001282368.2); short protein forms S320P, S398P.
Identifiers: ClinVar variation 1715173 (VCV001715173.5), dbSNP rs765964982, ClinGen allele CA3898205.

ClinVar aggregate classification (germline): Uncertain significance (1 of 4 stars; one submission).

Allele frequency attached by ClinVar (database versions not stated): gnomAD exomes below 0.00001; TOPMed below 0.00001; ExAC 0.00001.
gnomAD v4.1: 2 of 1,613,094 alleles (0.00012%); highest among the groups gnomAD compares: Non-Finnish European, 0.00017%; no homozygotes.

Submission:

Labcorp Genetics (formerly Invitae), Labcorp
Classification: Uncertain significance. Last evaluated: 2025-03-01. Review status: criteria provided, single submitter. Criteria: Invitae Variant Classification Sherloc (09022015). Collection method: clinical testing. Allele origin: germline.
Comment: This sequence change replaces serine, which is neutral and polar, with proline, which is neutral and non-polar, at codon 398 of the IMPG1 protein (p.Ser398Pro). This variant is present in population databases (rs765964982, gnomAD 0.0009%). This variant has not been reported in the literature in individuals affected with IMPG1-related conditions. ClinVar contains an entry for this variant (Variation ID: 1715173). An algorithm developed to predict the effect of missense changes on protein structure and function outputs the following: PolyPhen-2: "Benign". The proline amino acid residue is found in multiple mammalian species, which suggests that this missense change does not adversely affect protein function. In summary, the available evidence is currently insufficient to determine the role of this variant in disease. Therefore, it has been classified as a Variant of Uncertain Significance.